The following is an entry in ClinVar:

NM_004369.4(COL6A3):c.5693T>C (p.Val1898Ala)

Gene: COL6A3 (collagen type VI alpha 3 chain; minus strand). Cytogenetic location: 2q37.3.
Variant type: single nucleotide variant.
Coding change: c.5693T>C on transcript NM_004369.4 (MANE Select); coding-DNA position 5693, T replaced by C.
Protein change: p.Val1898Ala; replaces valine 1898 with alanine.
Molecular consequence: missense variant.
Genome position (GRCh38, 1-based): chr2:237,365,843, A>G on the plus strand (T>C on the coding strand, the complement: COL6A3 is on the minus strand). VCF-style: chr2-237365843-A-G. GRCh37 (hg19) VCF-style: chr2-238274486-A-G.
Other names: c.3872T>C, p.Val1291Ala (NM_057166.5); c.5075T>C, p.Val1692Ala (NM_057167.4); short protein forms V1898A, V1291A, V1692A.
Identifiers: ClinVar variation 861540 (VCV000861540.10), dbSNP rs774606469, ClinGen allele CA2188602.

ClinVar aggregate classification (germline): Conflicting classifications of pathogenicity. Review status: criteria provided, conflicting classifications (1 of 4 stars). 2 submissions from 2 submitters: Uncertain significance (1); Benign (1). Last evaluated 2025-08-18.

Conditions:
Bethlem myopathy 1A. Also called: MYOPATHY, BENIGN CONGENITAL, WITH CONTRACTURES; Bethlem myopathy 1; Bethlem Muscular Dystrophy. Identifiers: Orphanet 610, MedGen CN029274, MONDO:0024530, OMIM 158810.
Collagen 6-related myopathy. Identifiers: MedGen CN117976, MONDO:0100225.

Allele frequency attached by ClinVar (database versions not stated): gnomAD 0.00001; TOPMed 0.00002; gnomAD exomes 0.00003 and 0.00006; ExAC 0.00006.
gnomAD v4.1: 53 of 1,614,030 alleles (0.0033%); highest among the groups gnomAD compares: Middle Eastern, 0.016%; no homozygotes.

Submissions (2):

Labcorp Genetics (formerly Invitae), Labcorp
Classification: Benign for Bethlem myopathy 1A. Last evaluated: 2025-08-18. Review status: criteria provided, single submitter. Criteria: Invitae Variant Classification Sherloc (09022015). Collection method: clinical testing. Allele origin: germline.

Illumina Laboratory Services, Illumina
Classification: Uncertain significance for Collagen VI-related myopathy. Last evaluated: 2017-04-27. Review status: criteria provided, single submitter. Criteria: ICSL Variant Classification Criteria 13 December 2019. Collection method: clinical testing. Allele origin: germline.
Comment: This variant was observed as part of a predisposition screen in an ostensibly healthy population. A literature search was performed for the gene, cDNA change, and amino acid change (where applicable). Publications were found based on this search. However, the evidence from the literature, in combination with allele frequency data from public databases where available, was not sufficient to rule this variant in or out of causing disease. Therefore, this variant is classified as a variant of unknown significance.

Literature cited by the submitters: PubMed 18825676 (cited by Illumina Laboratory Services, Illumina).